The following is an entry in ClinVar:

NM_024757.5(EHMT1):c.3717-1G>C

Gene: EHMT1 (euchromatic histone lysine methyltransferase 1; plus strand). Cytogenetic location: 9q34.3.
Variant type: single nucleotide variant.
Coding change: c.3717-1G>C on transcript NM_024757.5 (MANE Select); the canonical splice acceptor site of the intron before coding-DNA position 3717, G replaced by C.
Molecular consequence: splice acceptor variant.
Genome position (GRCh38, 1-based): chr9:137,834,772, G>C. VCF-style: chr9-137834772-G-C. GRCh37 (hg19) VCF-style: chr9-140729224-G-C.
Other names: c.3696-1G>C (NM_001354263.2).
Identifiers: ClinVar variation 5042013 (VCV005042013.1).

ClinVar aggregate classification (germline): Likely pathogenic (1 of 4 stars; one submission).

Conditions:
Kleefstra syndrome 1 (KLEFS1). Identifiers: Orphanet 261494, MedGen C0795833, MONDO:0027407, OMIM 610253.

Submission:

Clinical Genetics Laboratory, University Hospital Schleswig-Holstein
Classification: Likely pathogenic for Kleefstra syndrome 1. Last evaluated: 2025-01-14. Review status: criteria provided, single submitter. Criteria: ACMG Guidelines, 2015. Collection method: clinical testing. Allele origin: de novo. Affected: yes.
Comment: ACMG criteria applied: PM2, PVS1_Moderate, PS2